The following is an entry in ClinVar:

ClinVar aggregate classification (germline): Uncertain significance (1 of 4 stars; one submission).

Allele frequency attached by ClinVar (database versions not stated): ExAC 0.00001; TOPMed 0.00001; gnomAD exomes 0.00002.
gnomAD v4.1: 25 of 1,614,140 alleles (0.0015%); highest among the groups gnomAD compares: Non-Finnish European, 0.0019%; no homozygotes.

Submission:

Labcorp Genetics (formerly Invitae), Labcorp
Classification: Uncertain significance. Last evaluated: 2021-12-19. Review status: criteria provided, single submitter. Criteria: Invitae Variant Classification Sherloc (09022015). Collection method: clinical testing. Allele origin: germline.
Comment: This sequence change replaces threonine, which is neutral and polar, with isoleucine, which is neutral and non-polar, at codon 4864 of the FAT4 protein (p.Thr4864Ile). This variant is present in population databases (rs759571874, gnomAD 0.0009%). This variant has not been reported in the literature in individuals affected with FAT4-related conditions. Advanced modeling of protein sequence and biophysical properties (such as structural, functional, and spatial information, amino acid conservation, physicochemical variation, residue mobility, and thermodynamic stability) performed at Invitae indicates that this missense variant is not expected to disrupt FAT4 protein function. In summary, the available evidence is currently insufficient to determine the role of this variant in disease. Therefore, it has been classified as a Variant of Uncertain Significance.

NM_001291303.3(FAT4):c.14597C>T (p.Thr4866Ile)

Gene: FAT4 (FAT atypical cadherin 4; plus strand). Cytogenetic location: 4q28.1.
Variant type: single nucleotide variant.
Coding change: c.14597C>T on transcript NM_001291303.3 (MANE Select); coding-DNA position 14597, C replaced by T.
Protein change: p.Thr4866Ile; replaces threonine 4866 with isoleucine.
Molecular consequence: missense variant.
Genome position (GRCh38, 1-based): chr4:125,491,413, C>T. VCF-style: chr4-125491413-C-T. GRCh37 (hg19) VCF-style: chr4-126412568-C-T.
Other names: c.14594C>T, p.Thr4865Ile (NM_001291285.3); c.14591C>T, p.Thr4864Ile (NM_024582.6); short protein forms T4864I, T4865I, T4866I.
Identifiers: ClinVar variation 1969695 (VCV001969695.5), dbSNP rs759571874, ClinGen allele CA3074594.